The following is an entry in ClinVar:

ClinVar aggregate classification (germline): Pathogenic. Review status: criteria provided, single submitter (1 of 4 stars). 2 submissions from 2 submitters: Pathogenic (1). 1 of the submissions does not count toward it. Last evaluated 2025-10-13.

Conditions:
Type II complement component 8 deficiency. Also called: COMPLEMENT C8 DEFICIENCY, TYPE II; C8 BETA DEFICIENCY; C8B DEFICIENCY; COMPLEMENT COMPONENT 8B DEFICIENCY. Identifiers: MedGen C3151080, MONDO:0013421, OMIM 613789.

Allele frequency attached by ClinVar (database versions not stated): gnomAD exomes 0.00001 and 0.00002; ExAC 0.00002; TOPMed 0.00002; gnomAD 0.00006; 1000 Genomes Project 30x 0.00016; 1000 Genomes Project 0.00020.

Submissions (2):

Labcorp Genetics (formerly Invitae), Labcorp
Classification: Pathogenic. Last evaluated: 2025-10-13. Review status: criteria provided, single submitter. Criteria: Invitae Variant Classification Sherloc (09022015). Collection method: clinical testing. Allele origin: germline.
Comment: This sequence change creates a premature translational stop signal (p.Arg274*) in the C8B gene. It is expected to result in an absent or disrupted protein product. Loss-of-function variants in C8B are known to be pathogenic (PMID: 7594510). This variant is present in population databases (rs140813121, gnomAD 0.02%). This premature translational stop signal has been observed in individual(s) with C8 beta deficiency (PMID: 7594510). ClinVar contains an entry for this variant (Variation ID: 35592). For these reasons, this variant has been classified as Pathogenic.

OMIM
Classification: Pathogenic for COMPLEMENT C8 DEFICIENCY, TYPE II. Last evaluated: 2009-09-01. Review status: no assertion criteria provided. Collection method: literature only. Allele origin: germline. Not counted in ClinVar's aggregate classification.

Literature cited by the submitters: PubMed 7594510 (cited by Labcorp Genetics (formerly Invitae), Labcorp and OMIM); PubMed 19434484 (cited by OMIM).

NM_000066.4(C8B):c.820C>T (p.Arg274Ter)

Gene: C8B (complement C8 beta chain; minus strand). Cytogenetic location: 1p32.2.
Variant type: single nucleotide variant.
Coding change: c.820C>T on transcript NM_000066.4 (MANE Select); coding-DNA position 820, C replaced by T.
Protein change: p.Arg274Ter; replaces arginine 274 with a stop codon.
Molecular consequence: nonsense.
Genome position (GRCh38, 1-based): chr1:56,949,599, G>A on the plus strand (C>T on the coding strand, the complement: C8B is on the minus strand). VCF-style: chr1-56949599-G-A. GRCh37 (hg19) VCF-style: chr1-57415272-G-A.
Other names: C8B, ARG274TER; c.664C>T, p.Arg222Ter (NM_001278543.2); c.634C>T, p.Arg212Ter (NM_001278544.2); short protein forms R274*, R222*, R212*.
Identifiers: ClinVar variation 35592 (VCV000035592.10), dbSNP rs140813121, ClinGen allele CA210865.